The following is an entry in ClinVar:

ClinVar aggregate classification (germline): Uncertain significance (1 of 4 stars; one submission).

Conditions:
Fanconi anemia (FA). Also called: Fanconi's anemia. Identifiers: Orphanet 84, MedGen C0015625, MeSH D005199, MONDO:0019391.

Allele frequency attached by ClinVar (database versions not stated): TOPMed below 0.00001.

Submission:

Labcorp Genetics (formerly Invitae), Labcorp
Classification: Uncertain significance for Fanconi anemia. Last evaluated: 2022-05-25. Review status: criteria provided, single submitter. Criteria: Invitae Variant Classification Sherloc (09022015). Collection method: clinical testing. Allele origin: germline.
Comment: This sequence change replaces threonine, which is neutral and polar, with alanine, which is neutral and non-polar, at codon 61 of the FANCL protein (p.Thr61Ala). This variant is not present in population databases (gnomAD no frequency). This variant has not been reported in the literature in individuals affected with FANCL-related conditions. Algorithms developed to predict the effect of missense changes on protein structure and function output the following: SIFT: "Tolerated"; PolyPhen-2: "Benign"; Align-GVGD: "Class C0". The alanine amino acid residue is found in multiple mammalian species, which suggests that this missense change does not adversely affect protein function. In summary, the available evidence is currently insufficient to determine the role of this variant in disease. Therefore, it has been classified as a Variant of Uncertain Significance.

NM_018062.4(FANCL):c.181A>G (p.Thr61Ala)

Gene: FANCL (FA complementation group L; minus strand). Cytogenetic location: 2p16.1.
Variant type: single nucleotide variant.
Coding change: c.181A>G on transcript NM_018062.4 (MANE Select); coding-DNA position 181, A replaced by G.
Protein change: p.Thr61Ala; replaces threonine 61 with alanine.
Molecular consequence: missense variant.
Genome position (GRCh38, 1-based): chr2:58,229,849, T>C on the plus strand (A>G on the coding strand, the complement: FANCL is on the minus strand). VCF-style: chr2-58229849-T-C. GRCh37 (hg19) VCF-style: chr2-58456984-T-C.
Other names: c.181A>G, p.Thr61Ala (NM_001114636.2, NM_001374615.1, NM_001410792.1); short protein forms T61A.
Identifiers: ClinVar variation 1951699 (VCV001951699.2), dbSNP rs1693402105, ClinGen allele CA347034820.